The following is an entry in ClinVar:

NM_003470.3(USP7):c.2207A>G (p.Glu736Gly)

Gene: USP7 (ubiquitin specific peptidase 7; minus strand). Cytogenetic location: 16p13.2.
Variant type: single nucleotide variant.
Coding change: c.2207A>G on transcript NM_003470.3 (MANE Select); coding-DNA position 2207, A replaced by G.
Protein change: p.Glu736Gly; replaces glutamic acid 736 with glycine.
Molecular consequence: missense variant. On other transcripts: non-coding transcript variant (1).
Genome position (GRCh38, 1-based): chr16:8,900,991, T>C on the plus strand (A>G on the coding strand, the complement: USP7 is on the minus strand). VCF-style: chr16-8900991-T-C. GRCh37 (hg19) VCF-style: chr16-8994848-T-C.
Other names: c.2159A>G, p.Glu720Gly (NM_001286457.2); c.1910A>G, p.Glu637Gly (NM_001286458.2); c.2033A>G, p.Glu678Gly (NM_001321858.2); short protein forms E637G, E678G, E720G, E736G.
Identifiers: ClinVar variation 2574378 (VCV002574378.1), dbSNP rs2549223235, ClinGen allele CA394699367.

ClinVar aggregate classification (germline): Uncertain significance (1 of 4 stars; one submission).

Submission:

GeneDx
Classification: Uncertain significance. Last evaluated: 2023-01-26. Review status: criteria provided, single submitter. Criteria: GeneDx Variant Classification Process June 2021. Collection method: clinical testing. Allele origin: germline. Affected: yes.
Comment: Not observed at significant frequency in large population cohorts (gnomAD); In silico analysis supports that this missense variant has a deleterious effect on protein structure/function; Has not been previously published as pathogenic or benign to our knowledge